The following is an entry in ClinVar:

ClinVar aggregate classification (germline): Conflicting classifications of pathogenicity. Review status: criteria provided, conflicting classifications (1 of 4 stars). 3 submissions from 3 submitters: Uncertain significance (1); Likely benign (1). 1 of the submissions does not count toward it. Last evaluated 2025-06-22.

Conditions:
SERPINA1-related disorder. Also called: SerpinA1-related disorders; SERPINA1-related condition.
Alpha-1-antitrypsin deficiency (A1ATD). Also called: AAT deficiency; A1AT deficiency; Alpha1-Antitrypsin Deficiency. Identifiers: Orphanet 60, MedGen C0221757, MONDO:0013282, OMIM 613490.

Allele frequency attached by ClinVar (database versions not stated): ExAC 0.00001; gnomAD exomes 0.00001; ESP Exome Variant Server 0.00008; TOPMed 0.00011; gnomAD 0.00012 and 0.00013.

Submissions (3):

Labcorp Genetics (formerly Invitae), Labcorp
Classification: Likely benign for Alpha-1-antitrypsin deficiency. Last evaluated: 2025-06-22. Review status: criteria provided, single submitter. Criteria: Invitae Variant Classification Sherloc (09022015). Collection method: clinical testing. Allele origin: germline.

Eurofins Ntd Llc (ga)
Classification: Uncertain significance. Last evaluated: 2016-12-05. Review status: criteria provided, single submitter. Criteria: EGL Classification Definitions 2015. Collection method: clinical testing. Allele origin: germline. Observed: 1 variant allele, 1 heterozygote.

PreventionGenetics, part of Exact Sciences
Classification: Likely benign for SERPINA1-related condition. Last evaluated: 2021-03-23. Review status: no assertion criteria provided. Collection method: clinical testing. Allele origin: germline. Not counted in ClinVar's aggregate classification.
Comment: This variant is classified as likely benign based on ACMG/AMP sequence variant interpretation guidelines (Richards et al. 2015 PMID: 25741868, with internal and published modifications).

NM_000295.5(SERPINA1):c.918-4A>G

Gene: SERPINA1 (serpin family A member 1; minus strand). Cytogenetic location: 14q32.13.
Variant type: single nucleotide variant.
Coding change: c.918-4A>G on transcript NM_000295.5 (MANE Select); 4 bases into the intron before coding-DNA position 918, A replaced by G.
Molecular consequence: intron variant.
Genome position (GRCh38, 1-based): chr14:94,379,615, T>C on the plus strand (A>G on the coding strand, the complement: SERPINA1 is on the minus strand). VCF-style: chr14-94379615-T-C. GRCh37 (hg19) VCF-style: chr14-94845952-T-C.
Other names: c.918-4A>G (NM_001002235.3, NM_001127707.2, NM_001127706.2 and 8 more transcripts).
Identifiers: ClinVar variation 499059 (VCV000499059.15), dbSNP rs367822021, ClinGen allele CA7327353.